The following is an entry in ClinVar:

ClinVar aggregate classification (germline): Pathogenic (1 of 4 stars; one submission).

Conditions:
Developmental and epileptic encephalopathy. Identifiers: MedGen C5779964, MONDO:0100620.

Submission:

Labcorp Genetics (formerly Invitae), Labcorp
Classification: Pathogenic for Early-infantile DEE. Last evaluated: 2022-01-27. Review status: criteria provided, single submitter. Criteria: Invitae Variant Classification Sherloc (09022015). Collection method: clinical testing. Allele origin: germline.
Comment: For these reasons, this variant has been classified as Pathogenic. This variant disrupts a region of the KCNQ2 protein in which other variant(s) (p.Lys636del) have been determined to be pathogenic (PMID: 31418850; Invitae). This suggests that this is a clinically significant region of the protein, and that variants that disrupt it are likely to be disease-causing. Variants that disrupt the consensus splice site are a relatively common cause of aberrant splicing (PMID: 17576681, 9536098). This variant has not been reported in the literature in individuals affected with KCNQ2-related conditions. This variant results in the deletion of exon 16 and part of exon 17 (c.1763+43_2108delinsA) of the KCNQ2 gene. While this variant is not anticipated to result in nonsense mediated decay, it likely alters RNA splicing and results in a disrupted protein product.

Literature cited by the submitters: PubMed 31418850; PubMed 17576681; PubMed 9536098.

NC_000020.10:g.(?_62038508)_(62044760_?)del

Gene: KCNQ2 (potassium voltage-gated channel subfamily Q member 2; minus strand). Cytogenetic location: 20q13.33.
Variant type: Deletion.
Identifiers: ClinVar variation 2427483 (VCV002427483.4).